The following is an entry in ClinVar:

NM_031935.3(HMCN1):c.15699G>C (p.Glu5233Asp)

Gene: HMCN1 (hemicentin 1; plus strand). Cytogenetic location: 1q31.1.
Variant type: single nucleotide variant.
Coding change: c.15699G>C on transcript NM_031935.3 (MANE Select); coding-DNA position 15699, G replaced by C.
Protein change: p.Glu5233Asp; replaces glutamic acid 5233 with aspartic acid.
Molecular consequence: missense variant.
Genome position (GRCh38, 1-based): chr1:186,172,016, G>C. VCF-style: chr1-186172016-G-C. GRCh37 (hg19) VCF-style: chr1-186141148-G-C.
Other names: short protein forms E5233D.
Identifiers: ClinVar variation 2134479 (VCV002134479.4), dbSNP rs2528236104, ClinGen allele CA343933466.

ClinVar aggregate classification (germline): Uncertain significance (1 of 4 stars; one submission).

gnomAD v4.1: 2 of 1,613,440 alleles (0.00012%); highest among the groups gnomAD compares: Non-Finnish European, 0.00017%; no homozygotes.

Submission:

Labcorp Genetics (formerly Invitae), Labcorp
Classification: Uncertain significance. Last evaluated: 2022-05-05. Review status: criteria provided, single submitter. Criteria: Invitae Variant Classification Sherloc (09022015). Collection method: clinical testing. Allele origin: germline.
Comment: This variant is not present in population databases (gnomAD no frequency). This sequence change replaces glutamic acid, which is acidic and polar, with aspartic acid, which is acidic and polar, at codon 5233 of the HMCN1 protein (p.Glu5233Asp). This variant has not been reported in the literature in individuals affected with HMCN1-related conditions. Algorithms developed to predict the effect of missense changes on protein structure and function (SIFT, PolyPhen-2, Align-GVGD) all suggest that this variant is likely to be disruptive. In summary, the available evidence is currently insufficient to determine the role of this variant in disease. Therefore, it has been classified as a Variant of Uncertain Significance.